The following is an entry in ClinVar:

ClinVar aggregate classification (germline): Uncertain significance. Review status: criteria provided, multiple submitters, no conflicts (2 of 4 stars). 3 submissions from 3 submitters: Uncertain significance (3). Last evaluated 2025-07-14.

Conditions:
Hereditary cancer-predisposing syndrome. Also called: Neoplastic Syndromes, Hereditary; Tumor predisposition; Hereditary Cancer Syndrome; Hereditary neoplastic syndrome. Identifiers: Orphanet 140162, MedGen C0027672, MeSH D009386, MONDO:0015356.
Familial adenomatous polyposis 1 (FAP1). Also called: FAMILIAL ADENOMATOUS POLYPOSIS 1, ATTENUATED; POLYPOSIS, ADENOMATOUS INTESTINAL. Identifiers: MedGen C2713442, MONDO:0021056, OMIM 175100. Disease mechanism: loss of function.

Submissions (3):

Ambry Genetics
Classification: Uncertain significance for Hereditary cancer-predisposing syndrome. Last evaluated: 2025-07-14. Review status: criteria provided, single submitter. Criteria: Ambry Variant Classification Scheme 2023. Collection method: clinical testing. Allele origin: germline.
Comment: The p.L2488F variant (also known as c.7462C>T), located in coding exon 15 of the APC gene, results from a C to T substitution at nucleotide position 7462. The leucine at codon 2488 is replaced by phenylalanine, an amino acid with highly similar properties. This amino acid position is conserved. In addition, in silico predictors for this gene do not accurately predict pathogenicity. Based on the available evidence, the clinical significance of this variant remains unclear.

Labcorp Genetics (formerly Invitae), Labcorp
Classification: Uncertain significance for Familial adenomatous polyposis 1. Last evaluated: 2024-09-10. Review status: criteria provided, single submitter. Criteria: Invitae Variant Classification Sherloc (09022015). Collection method: clinical testing. Allele origin: germline.
Comment: This sequence change replaces leucine, which is neutral and non-polar, with phenylalanine, which is neutral and non-polar, at codon 2488 of the APC protein (p.Leu2488Phe). This variant is not present in population databases (gnomAD no frequency). This variant has not been reported in the literature in individuals affected with APC-related conditions. ClinVar contains an entry for this variant (Variation ID: 648014). Invitae Evidence Modeling of protein sequence and biophysical properties (such as structural, functional, and spatial information, amino acid conservation, physicochemical variation, residue mobility, and thermodynamic stability) indicates that this missense variant is not expected to disrupt APC protein function with a negative predictive value of 95%. In summary, the available evidence is currently insufficient to determine the role of this variant in disease. Therefore, it has been classified as a Variant of Uncertain Significance.

Sema4
Classification: Uncertain significance for Hereditary cancer-predisposing syndrome. Last evaluated: 2022-03-18. Review status: criteria provided, single submitter. Criteria: Sema4 Curation Guidelines. Collection method: curation. Allele origin: germline.
Comment: The APC c.7462C>T (p.L2488F) variant has not been reported in the literature to our knowledge. It was not observed in the large and broad cohorts of the Genome Aggregation Database (PMID: 32461654). This variant has been reported in ClinVar (Variation ID 648014). Functional studies have not been performed, and in silico predictions of the variant's effect on protein function are inconclusive. The evidence is insufficient to meet ACMG/AMP criteria for classifying the variant as benign or pathogenic. Thus, the clinical significance of this variant is currently uncertain.

NM_000038.6(APC):c.7462C>T (p.Leu2488Phe)

Gene: APC (APC regulator of Wnt signaling pathway; plus strand). Cytogenetic location: 5q22.2.
Variant type: single nucleotide variant.
Coding change: c.7462C>T on transcript NM_000038.6 (MANE Select); coding-DNA position 7462, C replaced by T.
Protein change: p.Leu2488Phe; replaces leucine 2488 with phenylalanine.
Molecular consequence: missense variant.
Genome position (GRCh38, 1-based): chr5:112,843,056, C>T. VCF-style: chr5-112843056-C-T. GRCh37 (hg19) VCF-style: chr5-112178753-C-T.
Other names: c.7339C>T, p.Leu2447Phe (NM_001354900.2); c.7285C>T, p.Leu2429Phe (NM_001354901.2); c.7189C>T, p.Leu2397Phe (NM_001354902.2); c.7159C>T, p.Leu2387Phe (NM_001354903.2); c.7084C>T, p.Leu2362Phe (NM_001354904.2); c.6982C>T, p.Leu2328Phe (NM_001354905.2); c.6613C>T, p.Leu2205Phe (NM_001354906.2); c.7462C>T, p.Leu2488Phe (NM_001127510.3, NM_001354895.2); and 5 more; short protein forms L2362F, L2387F, L2460F, L2328F, L2397F, L2463F, L2470F, L2488F.
Identifiers: ClinVar variation 648014 (VCV000648014.11), dbSNP rs1580682902, ClinGen allele CA16037567.